The following is an entry in ClinVar:

ClinVar aggregate classification (germline): Uncertain significance (1 of 4 stars; one submission).

Conditions:
Juvenile onset Parkinson disease 19A. Also called: DNAJC6 Parkinson Disease; PARK19. Identifiers: Orphanet 391411, MedGen C3809811, MONDO:0014231, OMIM 615528.

gnomAD v4.1: 4 of 1,613,678 alleles (0.00025%); highest among the groups gnomAD compares: Non-Finnish European, 0.00034%; no homozygotes.

Submission:

Labcorp Genetics (formerly Invitae), Labcorp
Classification: Uncertain significance for Juvenile onset Parkinson disease 19A. Last evaluated: 2021-11-27. Review status: criteria provided, single submitter. Criteria: Invitae Variant Classification Sherloc (09022015). Collection method: clinical testing. Allele origin: germline.
Comment: This variant is not present in population databases (gnomAD no frequency). This sequence change replaces leucine, which is neutral and non-polar, with phenylalanine, which is neutral and non-polar, at codon 556 of the DNAJC6 protein (p.Leu556Phe). This variant has not been reported in the literature in individuals affected with DNAJC6-related conditions. In summary, the available evidence is currently insufficient to determine the role of this variant in disease. Therefore, it has been classified as a Variant of Uncertain Significance. Algorithms developed to predict the effect of missense changes on protein structure and function are either unavailable or do not agree on the potential impact of this missense change (SIFT: "Tolerated"; PolyPhen-2: "Probably Damaging"; Align-GVGD: "Class C0").

NM_001256864.2(DNAJC6):c.1666C>T (p.Leu556Phe)

Gene: DNAJC6 (DnaJ heat shock protein family (Hsp40) member C6; plus strand). Cytogenetic location: 1p31.3.
Variant type: single nucleotide variant.
Coding change: c.1666C>T on transcript NM_001256864.2 (MANE Select); coding-DNA position 1666, C replaced by T.
Protein change: p.Leu556Phe; replaces leucine 556 with phenylalanine.
Molecular consequence: missense variant.
Genome position (GRCh38, 1-based): chr1:65,392,628, C>T. VCF-style: chr1-65392628-C-T. GRCh37 (hg19) VCF-style: chr1-65858311-C-T.
Other names: c.1456C>T, p.Leu486Phe (NM_001256865.2); c.1495C>T, p.Leu499Phe (NM_014787.4); short protein forms L499F, L556F, L486F.
Identifiers: ClinVar variation 1444657 (VCV001444657.6), dbSNP rs1262741318, ClinGen allele CA340688049.
Genomic context (GRCh38, chr1:65,392,628, plus strand): 5'-AAGAAGCCCAGCAAAAAGCAGCAGGAGCCAGCAGCCCCTCCACCCCCTGAGGATGTGGAC[C>T]TTTTGGGCCTGGAAGGGTCTGCAATGAGTAACAGCTTCTCTCCGCCAGCGGCTCCTCCCA-3'
Protein context (NP_001243793.1, residues 546-566): AAPPPPEDVD[Leu556Phe]LGLEGSAMSN